The following is an entry in ClinVar:

NM_004408.4(DNM1):c.292C>G (p.Arg98Gly)

Genes: DNM1 (dynamin 1; plus strand), LOC113839516 (Sharpr-MPRA regulatory region 8497; plus strand). Cytogenetic location: 9q34.11.
Variant type: single nucleotide variant.
Coding change: c.292C>G on transcript NM_004408.4 (MANE Select); coding-DNA position 292, C replaced by G.
Protein change: p.Arg98Gly; replaces arginine 98 with glycine.
Molecular consequence: missense variant.
Genome position (GRCh38, 1-based): chr9:128,218,638, C>G. VCF-style: chr9-128218638-C-G. GRCh37 (hg19) VCF-style: chr9-130980917-C-G.
Other names: c.292C>G, p.Arg98Gly (NM_001005336.3, NM_001288737.2, NM_001288738.2 and 2 more transcripts); short protein forms R98G.
Identifiers: ClinVar variation 1046154 (VCV001046154.9), dbSNP rs1206732749, ClinGen allele CA375010627.

ClinVar aggregate classification (germline): Uncertain significance (1 of 4 stars; one submission).

Conditions:
Developmental and epileptic encephalopathy, 31A. Also called: Developmental and epileptic encephalopathy, 31; Epileptic encephalopathy, early infantile, 31. Identifiers: Orphanet 2382, MedGen C4225357, MONDO:0014598, OMIM 616346.

Allele frequency attached by ClinVar (database versions not stated): gnomAD exomes below 0.00001 and 0.00001; TOPMed 0.00001.
gnomAD v4.1: 2 of 1,613,708 alleles (0.00012%); highest among the groups gnomAD compares: Admixed American, 0.0033%; no homozygotes.

Submission:

Labcorp Genetics (formerly Invitae), Labcorp
Classification: Uncertain significance for Developmental and epileptic encephalopathy, 31A. Last evaluated: 2024-08-20. Review status: criteria provided, single submitter. Criteria: Invitae Variant Classification Sherloc (09022015). Collection method: clinical testing. Allele origin: germline.
Comment: This sequence change replaces arginine, which is basic and polar, with glycine, which is neutral and non-polar, at codon 98 of the DNM1 protein (p.Arg98Gly). This variant is present in population databases (no rsID available, gnomAD 0.006%). This variant has not been reported in the literature in individuals affected with DNM1-related conditions. ClinVar contains an entry for this variant (Variation ID: 1046154). Invitae Evidence Modeling of protein sequence and biophysical properties (such as structural, functional, and spatial information, amino acid conservation, physicochemical variation, residue mobility, and thermodynamic stability) indicates that this missense variant is expected to disrupt DNM1 protein function with a positive predictive value of 80%. In summary, the available evidence is currently insufficient to determine the role of this variant in disease. Therefore, it has been classified as a Variant of Uncertain Significance.